The following is an entry in ClinVar:

ClinVar aggregate classification (germline): Conflicting classifications of pathogenicity. Review status: criteria provided, conflicting classifications (1 of 4 stars). 7 submissions from 7 submitters: Uncertain significance (6); Likely benign (1). Last evaluated 2026-01-12.

Conditions:
Generalized epilepsy-paroxysmal dyskinesia syndrome (PNKD3). Also called: Generalized epilepsy and paroxysmal dyskinesia; Paroxysmal nonkinesigenic dyskinesia, 3, with or without generalized epilepsy. Identifiers: Orphanet 79137, MedGen C5574945, MONDO:0012276, OMIM 609446.

Allele frequency attached by ClinVar (database versions not stated): ExAC 0.00011; gnomAD exomes 0.00024; TOPMed 0.00028; gnomAD 0.00040 and 0.00044.
gnomAD v4.1: 1,053 of 1,543,398 alleles (0.068%); highest among the groups gnomAD compares: Non-Finnish European, 0.085%; no homozygotes.

Submissions (7):

Labcorp Genetics (formerly Invitae), Labcorp
Classification: Likely benign for Generalized epilepsy-paroxysmal dyskinesia syndrome. Last evaluated: 2026-01-12. Review status: criteria provided, single submitter. Criteria: Invitae Variant Classification Sherloc (09022015). Collection method: clinical testing. Allele origin: germline.

GeneDx
Classification: Uncertain significance. Last evaluated: 2025-09-04. Review status: criteria provided, single submitter. Criteria: GeneDx Variant Classification Process June 2021. Collection method: clinical testing. Allele origin: germline. Affected: yes.
Comment: Reported previously as a variant of uncertain significance in a patient with febrile seizures, dysautonomia, erythromelalgia, tethered spinal cord, feeding complications, and various other symptoms; however, the patient also harbored a de novo SPTAN1 variant that was thought to be the cause (PMID: 35620303); In silico analysis suggests that this missense variant does not alter protein structure/function; This variant is associated with the following publications: (PMID: 35620303)

CeGaT Center for Human Genetics Tuebingen
Classification: Uncertain significance. Last evaluated: 2025-02-01. Review status: criteria provided, single submitter. Criteria: CeGaT Center For Human Genetics Tuebingen Variant Classification Criteria Version 2. Collection method: clinical testing. Allele origin: germline. Affected: yes. Observed: 2 variant alleles.
Comment: KCNMA1: PM2, PP2

Blueprint Genetics
Classification: Uncertain significance. Last evaluated: 2024-11-22. Review status: criteria provided, single submitter. Criteria: ACMG Guidelines, 2015. Collection method: clinical testing. Allele origin: germline.

Revvity Omics, Revvity
Classification: Uncertain significance. Last evaluated: 2022-05-02. Review status: criteria provided, single submitter. Criteria: ACMG Guidelines, 2015. Collection method: clinical testing. Allele origin: germline.

Illumina Laboratory Services, Illumina
Classification: Uncertain significance for Generalized epilepsy-paroxysmal dyskinesia syndrome. Last evaluated: 2018-01-12. Review status: criteria provided, single submitter. Criteria: ICSL Variant Classification Criteria 13 December 2019. Collection method: clinical testing. Allele origin: germline.

Eurofins Ntd Llc (ga)
Classification: Uncertain significance. Last evaluated: 2016-06-09. Review status: criteria provided, single submitter. Criteria: EGL Classification Definitions 2015. Collection method: clinical testing. Allele origin: germline. Observed: 2 variant alleles, 2 heterozygotes.

NM_001161352.2(KCNMA1):c.89A>G (p.His30Arg)

Gene: KCNMA1 (potassium calcium-activated channel subfamily M alpha 1; minus strand). Cytogenetic location: 10q22.3.
Variant type: single nucleotide variant.
Coding change: c.89A>G on transcript NM_001161352.2 (MANE Select); coding-DNA position 89, A replaced by G.
Protein change: p.His30Arg; replaces histidine 30 with arginine.
Molecular consequence: missense variant.
Genome position (GRCh38, 1-based): chr10:77,637,554, T>C on the plus strand (A>G on the coding strand, the complement: KCNMA1 is on the minus strand). VCF-style: chr10-77637554-T-C. GRCh37 (hg19) VCF-style: chr10-79397312-T-C.
Other names: c.89A>G, p.His30Arg (NM_001014797.3, NM_001161353.2, NM_001271518.2 and 12 more transcripts); short protein forms H30R.
Identifiers: ClinVar variation 287558 (VCV000287558.67), dbSNP rs200474297, ClinGen allele CA5568813.